The following is an entry in ClinVar:

NM_000083.3(CLCN1):c.952G>A (p.Val318Met)

Gene: CLCN1 (chloride voltage-gated channel 1; plus strand). Cytogenetic location: 7q34.
Variant type: single nucleotide variant.
Coding change: c.952G>A on transcript NM_000083.3 (MANE Select); coding-DNA position 952, G replaced by A.
Protein change: p.Val318Met; replaces valine 318 with methionine.
Molecular consequence: missense variant. On other transcripts: non-coding transcript variant (1).
Genome position (GRCh38, 1-based): chr7:143,330,870, G>A. VCF-style: chr7-143330870-G-A. GRCh37 (hg19) VCF-style: chr7-143027963-G-A.
Other names: short protein forms V318M.
Identifiers: ClinVar variation 3760714 (VCV003760714.2).
Genomic context (GRCh38, chr7:143,330,870, plus strand): 5'-GCTGTTCGGAACTACTGGAGAGGATTCTTTGCAGCCACGTTCAGCGCCTTTGTGTTTCGA[G>A]TGCTGGCAGTGTGGAACAAGGATGCTGGTAACCAAGGAGGCCTTGGGTGGAGGCCATGTG-3'
Protein context (NP_000074.3, residues 308-328): AATFSAFVFR[Val318Met]LAVWNKDAVT

ClinVar aggregate classification (germline): Uncertain significance (1 of 4 stars; one submission).

Conditions:
Congenital myotonia, autosomal dominant form (THD). Also called: THOMSEN DISEASE; Myotonia congenita autosomal dominant. Identifiers: Orphanet 614, MedGen C2936781, MONDO:0008055, OMIM 160800.
Congenital myotonia, autosomal recessive form. Also called: Becker Generalized Myotonia; myotonia congenita, autosomal recessive; BECKER DISEASE. Identifiers: Orphanet 614, MedGen C0751360, MONDO:0009715, OMIM 255700.

gnomAD v4.1: 1 of 1,614,228 alleles (0.000062%); highest among the groups gnomAD compares: Non-Finnish European, 0.000085%; no homozygotes.

Submission:

Labcorp Genetics (formerly Invitae), Labcorp
Classification: Uncertain significance for Congenital myotonia, autosomal recessive form; Congenital myotonia, autosomal dominant form. Last evaluated: 2024-06-07. Review status: criteria provided, single submitter. Criteria: Invitae Variant Classification Sherloc (09022015). Collection method: clinical testing. Allele origin: germline.
Comment: This sequence change replaces valine, which is neutral and non-polar, with methionine, which is neutral and non-polar, at codon 318 of the CLCN1 protein (p.Val318Met). This variant is not present in population databases (gnomAD no frequency). This variant has not been reported in the literature in individuals affected with CLCN1-related conditions. Advanced modeling of protein sequence and biophysical properties (such as structural, functional, and spatial information, amino acid conservation, physicochemical variation, residue mobility, and thermodynamic stability) performed at Invitae indicates that this missense variant is expected to disrupt CLCN1 protein function with a positive predictive value of 95%. In summary, the available evidence is currently insufficient to determine the role of this variant in disease. Therefore, it has been classified as a Variant of Uncertain Significance.